The following is an entry in ClinVar:

NM_003079.5(SMARCE1):c.137G>A (p.Gly46Asp)

Gene: SMARCE1 (SWI/SNF related BAF chromatin remodeling complex subunit E1; minus strand). Cytogenetic location: 17q21.2.
Variant type: single nucleotide variant.
Coding change: c.137G>A on transcript NM_003079.5 (MANE Select); coding-DNA position 137, G replaced by A.
Protein change: p.Gly46Asp; replaces glycine 46 with aspartic acid.
Molecular consequence: missense variant.
Genome position (GRCh38, 1-based): chr17:40,642,474, C>T on the plus strand (G>A on the coding strand, the complement: SMARCE1 is on the minus strand). VCF-style: chr17-40642474-C-T. GRCh37 (hg19) VCF-style: chr17-38798726-C-T.
Other names: c.137G>A (NM_003079.4); short protein forms G46D.
Identifiers: ClinVar variation 1017604 (VCV001017604.9), dbSNP rs2037209184, ClinGen allele CA399369612.

ClinVar aggregate classification (germline): Uncertain significance. Review status: criteria provided, multiple submitters, no conflicts (2 of 4 stars). 2 submissions from 2 submitters: Uncertain significance (2). Last evaluated 2026-01-18.

Conditions:
Hereditary cancer-predisposing syndrome. Also called: Hereditary Cancer Syndrome; Neoplastic Syndromes, Hereditary; Tumor predisposition; Hereditary neoplastic syndrome. Identifiers: Orphanet 140162, MedGen C0027672, MeSH D009386, MONDO:0015356.
Familial meningioma. Also called: Meningioma, familial, susceptibility to. Identifiers: Orphanet 263662, MedGen C3551915, MONDO:0011789, OMIM 607174.

Submissions (2):

Ambry Genetics
Classification: Uncertain significance for Hereditary cancer-predisposing syndrome. Last evaluated: 2026-01-18. Review status: criteria provided, single submitter. Criteria: Ambry Variant Classification Scheme 2023. Collection method: clinical testing. Allele origin: germline.
Comment: The p.G46D variant (also known as c.137G>A), located in coding exon 3 of the SMARCE1 gene, results from a G to A substitution at nucleotide position 137. The glycine at codon 46 is replaced by aspartic acid, an amino acid with similar properties. This amino acid position is conserved. In addition, this alteration is predicted to be tolerated by in silico analysis. Based on the available evidence, the clinical significance of this variant remains unclear.

Labcorp Genetics (formerly Invitae), Labcorp
Classification: Uncertain significance for Familial meningioma. Last evaluated: 2020-06-25. Review status: criteria provided, single submitter. Criteria: Invitae Variant Classification Sherloc (09022015). Collection method: clinical testing. Allele origin: germline.
Comment: In summary, the available evidence is currently insufficient to determine the role of this variant in disease. Therefore, it has been classified as a Variant of Uncertain Significance. Algorithms developed to predict the effect of missense changes on protein structure and function are either unavailable or do not agree on the potential impact of this missense change (SIFT: "Tolerated"; PolyPhen-2: "Probably Damaging"; Align-GVGD: "Class C0"). This variant has not been reported in the literature in individuals with SMARCE1-related conditions. This variant is not present in population databases (ExAC no frequency). This sequence change replaces glycine with aspartic acid at codon 46 of the SMARCE1 protein (p.Gly46Asp). The glycine residue is moderately conserved and there is a moderate physicochemical difference between glycine and aspartic acid.